The following is an entry in ClinVar:

ClinVar aggregate classification (germline): Uncertain significance (1 of 4 stars; one submission).

Conditions:
Progressive myoclonic epilepsy type 5. Identifiers: Orphanet 402082, MedGen C5190799.

Allele frequency attached by ClinVar (database versions not stated): gnomAD 0.00003 and 0.00004; TOPMed 0.00003.
gnomAD v4.1: 9 of 1,613,996 alleles (0.00056%); highest among the groups gnomAD compares: African/African-American, 0.011%; no homozygotes.

Submission:

Labcorp Genetics (formerly Invitae), Labcorp
Classification: Uncertain significance for Progressive myoclonic epilepsy type 5. Last evaluated: 2022-10-17. Review status: criteria provided, single submitter. Criteria: Invitae Variant Classification Sherloc (09022015). Collection method: clinical testing. Allele origin: germline.
Comment: In summary, the available evidence is currently insufficient to determine the role of this variant in disease. Therefore, it has been classified as a Variant of Uncertain Significance. Algorithms developed to predict the effect of missense changes on protein structure and function output the following: SIFT: "Tolerated"; PolyPhen-2: "Benign"; Align-GVGD: "Class C0". The asparagine amino acid residue is found in multiple mammalian species, which suggests that this missense change does not adversely affect protein function. ClinVar contains an entry for this variant (Variation ID: 963769). This variant has not been reported in the literature in individuals affected with PRICKLE2-related conditions. This variant is present in population databases (no rsID available, gnomAD 0.01%). This sequence change replaces lysine, which is basic and polar, with asparagine, which is neutral and polar, at codon 653 of the PRICKLE2 protein (p.Lys653Asn).

NM_198859.4(PRICKLE2):c.1959G>T (p.Lys653Asn)

Genes: PRICKLE2 (prickle planar cell polarity protein 2; minus strand), PRICKLE2-AS1 (PRICKLE2 antisense RNA 1; plus strand). Cytogenetic location: 3p14.1.
Variant type: single nucleotide variant.
Coding change: c.1959G>T on transcript NM_198859.4 (MANE Select); coding-DNA position 1959, G replaced by T.
Protein change: p.Lys653Asn; replaces lysine 653 with asparagine.
Molecular consequence: missense variant. On other transcripts: non-coding transcript variant (1).
Genome position (GRCh38, 1-based): chr3:64,099,627, C>A on the plus strand (G>T on the coding strand, the complement: PRICKLE2 is on the minus strand). VCF-style: chr3-64099627-C-A. GRCh37 (hg19) VCF-style: chr3-64085303-C-A.
Other names: c.1959G>T, p.Lys653Asn (NM_001370528.1); short protein forms K653N.
Identifiers: ClinVar variation 963769 (VCV000963769.7), dbSNP rs1449765785, ClinGen allele CA353427213.